The following is an entry in ClinVar:

NM_003060.4(SLC22A5):c.1594C>T (p.His532Tyr)

Gene: SLC22A5 (solute carrier family 22 member 5; plus strand). Cytogenetic location: 5q31.1.
Variant type: single nucleotide variant.
Coding change: c.1594C>T on transcript NM_003060.4 (MANE Select); coding-DNA position 1594, C replaced by T.
Protein change: p.His532Tyr; replaces histidine 532 with tyrosine.
Molecular consequence: missense variant.
Genome position (GRCh38, 1-based): chr5:132,394,192, C>T. VCF-style: chr5-132394192-C-T. GRCh37 (hg19) VCF-style: chr5-131729884-C-T.
Other names: c.1666C>T, p.His556Tyr (NM_001308122.2); short protein forms H532Y, H556Y.
Identifiers: ClinVar variation 1497070 (VCV001497070.3), dbSNP rs1752801992, ClinGen allele CA360810143.

ClinVar aggregate classification (germline): Uncertain significance (1 of 4 stars; one submission).

Conditions:
Renal carnitine transport defect (CDSP). Also called: Carnitine transporter deficiency; Carnitine Deficiency, Systemic; Systemic primary carnitine deficiency disease; Primary carnitine deficiency; CARNITINE DEFICIENCY, SYSTEMIC, DUE TO DEFECT IN RENAL REABSORPTION OF CARNITINE; CARNITINE TRANSPORTER, PLASMA-MEMBRANE, DEFICIENCY OF. Identifiers: Orphanet 158, MedGen C0342788, MONDO:0008919, OMIM 212140.

Allele frequency attached by ClinVar (database versions not stated): gnomAD 0.00001.
gnomAD v4.1: 5 of 1,611,042 alleles (0.00031%); highest among the groups gnomAD compares: South Asian, 0.0033%; no homozygotes.

Submission:

Labcorp Genetics (formerly Invitae), Labcorp
Classification: Uncertain significance for Renal carnitine transport defect. Last evaluated: 2021-11-02. Review status: criteria provided, single submitter. Criteria: Invitae Variant Classification Sherloc (09022015). Collection method: clinical testing. Allele origin: germline.
Comment: This sequence change replaces histidine, which is basic and polar, with tyrosine, which is neutral and polar, at codon 532 of the SLC22A5 protein (p.His532Tyr). This variant is not present in population databases (gnomAD no frequency). This variant has not been reported in the literature in individuals affected with SLC22A5-related conditions. Advanced modeling of protein sequence and biophysical properties (such as structural, functional, and spatial information, amino acid conservation, physicochemical variation, residue mobility, and thermodynamic stability) performed at Invitae indicates that this missense variant is not expected to disrupt SLC22A5 protein function. In summary, the available evidence is currently insufficient to determine the role of this variant in disease. Therefore, it has been classified as a Variant of Uncertain Significance.